The following is an entry in ClinVar:

ClinVar aggregate classification (germline): Uncertain significance. Review status: criteria provided, single submitter (1 of 4 stars). 2 submissions from 2 submitters: Uncertain significance (1). 1 of the submissions does not count toward it. Last evaluated 2025-11-12.

Conditions:
ADCY3-related disorder. Also called: ADCY3-related condition.

Submissions (2):

GeneDx
Classification: Uncertain significance. Last evaluated: 2025-11-12. Review status: criteria provided, single submitter. Criteria: GeneDx Variant Classification Process June 2021. Collection method: clinical testing. Allele origin: germline.
Comment: Not observed at significant frequency in large population cohorts (gnomAD); In silico analysis supports that this missense variant has a deleterious effect on protein structure/function; Has not been previously published as pathogenic or benign to our knowledge

PreventionGenetics, part of Exact Sciences
Classification: Uncertain significance for ADCY3-related condition. Last evaluated: 2024-06-05. Review status: no assertion criteria provided. Collection method: clinical testing. Allele origin: germline. Not counted in ClinVar's aggregate classification.
Comment: The ADCY3 c.2687T>A variant is predicted to result in the amino acid substitution p.Met896Lys. To our knowledge, this variant has not been reported in the literature or in gnomAD, indicating this variant is rare. At this time, the clinical significance of this variant is uncertain due to the absence of conclusive functional and genetic evidence.

NM_004036.5(ADCY3):c.2684T>A (p.Met895Lys)

Gene: ADCY3 (adenylate cyclase 3; minus strand). Cytogenetic location: 2p23.3.
Variant type: single nucleotide variant.
Coding change: c.2684T>A on transcript NM_004036.5 (MANE Select); coding-DNA position 2684, T replaced by A.
Protein change: p.Met895Lys; replaces methionine 895 with lysine.
Molecular consequence: missense variant.
Genome position (GRCh38, 1-based): chr2:24,824,430, A>T on the plus strand (T>A on the coding strand, the complement: ADCY3 is on the minus strand). VCF-style: chr2-24824430-A-T. GRCh37 (hg19) VCF-style: chr2-25047299-A-T.
Other names: c.2687T>A, p.Met896Lys (NM_001320613.2); c.2750T>A, p.Met917Lys (NM_001377128.1); c.2546T>A, p.Met849Lys (NM_001377129.1); c.2279T>A, p.Met760Lys (NM_001377130.1); c.1961T>A, p.Met654Lys (NM_001377131.1); c.2684T>A, p.Met895Lys (NM_001377132.1); c.2684T>A (NM_004036.4); short protein forms M654K, M760K, M849K, M895K, M896K, M917K.
Identifiers: ClinVar variation 3345533 (VCV003345533.3).
Genomic context (GRCh38, chr2:24,824,430, plus strand): 5'-CCCCTCACCTCATCTCTCTTCTTGGACCCCAGGAAATGGCGTGCCACGTGCTCAGGCAAC[A>T]TGTTGGTGACCAAGGCCTCGTTCCAGCGTCGCATCTCATAGACACGTTCCTTCTGGTCGT-3'
Protein context (NP_004027.2, residues 885-905): RRWNEALVTN[Met895Lys]LPEHVARHFL